The following is an entry in ClinVar:

NM_001999.4(FBN2):c.1780A>G (p.Thr594Ala)

Gene: FBN2 (fibrillin 2; minus strand). Cytogenetic location: 5q23.3.
Variant type: single nucleotide variant.
Coding change: c.1780A>G on transcript NM_001999.4 (MANE Select); coding-DNA position 1780, A replaced by G.
Protein change: p.Thr594Ala; replaces threonine 594 with alanine.
Molecular consequence: missense variant.
Genome position (GRCh38, 1-based): chr5:128,377,821, T>C on the plus strand (A>G on the coding strand, the complement: FBN2 is on the minus strand). VCF-style: chr5-128377821-T-C. GRCh37 (hg19) VCF-style: chr5-127713514-T-C.
Other names: short protein forms T594A.
Identifiers: ClinVar variation 519819 (VCV000519819.15), dbSNP rs1554064868, ClinGen allele CA360742552.

ClinVar aggregate classification (germline): Uncertain significance. Review status: criteria provided, multiple submitters, no conflicts (2 of 4 stars). 2 submissions from 2 submitters: Uncertain significance (2). Last evaluated 2024-08-19.

Conditions:
Familial thoracic aortic aneurysm and aortic dissection (TAAD). Also called: Thoracic aortic aneurysms and dissections. Identifiers: Orphanet 91387, MedGen C4707243, MONDO:0019625.
Congenital contractural arachnodactyly (CCA). Also called: BEALS SYNDROME; Beals-Hecht syndrome; Arthrogryposis, distal, type 9. Identifiers: Orphanet 115, MedGen C0220668, MONDO:0007363, OMIM 121050.

Allele frequency attached by ClinVar (database versions not stated): gnomAD exomes 0.00001; gnomAD 0.00001.
gnomAD v4.1: 15 of 1,613,524 alleles (0.00093%); highest among the groups gnomAD compares: East Asian, 0.0022%; no homozygotes.

Submissions (2):

Labcorp Genetics (formerly Invitae), Labcorp
Classification: Uncertain significance for Congenital contractural arachnodactyly. Last evaluated: 2024-08-19. Review status: criteria provided, single submitter. Criteria: Invitae Variant Classification Sherloc (09022015). Collection method: clinical testing. Allele origin: germline.
Comment: This sequence change replaces threonine, which is neutral and polar, with alanine, which is neutral and non-polar, at codon 594 of the FBN2 protein (p.Thr594Ala). This variant is not present in population databases (gnomAD no frequency). This variant has not been reported in the literature in individuals affected with FBN2-related conditions. ClinVar contains an entry for this variant (Variation ID: 519819). Invitae Evidence Modeling of protein sequence and biophysical properties (such as structural, functional, and spatial information, amino acid conservation, physicochemical variation, residue mobility, and thermodynamic stability) indicates that this missense variant is not expected to disrupt FBN2 protein function with a negative predictive value of 80%. In summary, the available evidence is currently insufficient to determine the role of this variant in disease. Therefore, it has been classified as a Variant of Uncertain Significance.

Ambry Genetics
Classification: Uncertain significance for Familial thoracic aortic aneurysm and aortic dissection. Last evaluated: 2016-05-24. Review status: criteria provided, single submitter. Criteria: Ambry Variant Classification Scheme 2023. Collection method: clinical testing. Allele origin: germline.
Comment: The p.T594A variant (also known as c.1780A>G), located in coding exon 13 of the FBN2 gene, results from an A to G substitution at nucleotide position 1780. The threonine at codon 594 is replaced by alanine, an amino acid with similar properties. This variant was not reported in population based cohorts in the following databases: Database of Single Nucleotide Polymorphisms (dbSNP), NHLBI Exome Sequencing Project (ESP), and 1000 Genomes Project. In the ESP, this variant was not observed in 6503 samples (13006 alleles) with coverage at this position. This amino acid position is highly conserved in available vertebrate species. In addition, this alteration is predicted to be deleterious by in silico analysis. Since supporting evidence is limited at this time, the clinical significance of this variant remains unclear.